The following is an entry in ClinVar:

NM_004304.5(ALK):c.1403G>A (p.Ser468Asn)

Gene: ALK (ALK receptor tyrosine kinase; minus strand). Cytogenetic location: 2p23.2.
Variant type: single nucleotide variant.
Coding change: c.1403G>A on transcript NM_004304.5 (MANE Select); coding-DNA position 1403, G replaced by A.
Protein change: p.Ser468Asn; replaces serine 468 with asparagine.
Molecular consequence: missense variant.
Genome position (GRCh38, 1-based): chr2:29,328,361, C>T on the plus strand (G>A on the coding strand, the complement: ALK is on the minus strand). VCF-style: chr2-29328361-C-T. GRCh37 (hg19) VCF-style: chr2-29551227-C-T.
Other names: short protein forms S468N.
Identifiers: ClinVar variation 943946 (VCV000943946.9), dbSNP rs1573239187, ClinGen allele CA346474106.

ClinVar aggregate classification (germline): Uncertain significance (1 of 4 stars; one submission).

Conditions:
Neuroblastoma, susceptibility to, 3. Also called: ALK-Related Neuroblastic Tumor Susceptibility. Identifiers: Orphanet 635, MedGen C2751681, MONDO:0013083, OMIM 613014.

Allele frequency attached by ClinVar (database versions not stated): gnomAD exomes below 0.00001.
gnomAD v4.1: 1 of 1,614,162 alleles (0.000062%); highest among the groups gnomAD compares: Admixed American, 0.0017%; no homozygotes.

Submission:

Labcorp Genetics (formerly Invitae), Labcorp
Classification: Uncertain significance for Neuroblastoma, susceptibility to, 3. Last evaluated: 2022-08-21. Review status: criteria provided, single submitter. Criteria: Invitae Variant Classification Sherloc (09022015). Collection method: clinical testing. Allele origin: germline.
Comment: This sequence change replaces serine, which is neutral and polar, with asparagine, which is neutral and polar, at codon 468 of the ALK protein (p.Ser468Asn). This variant is not present in population databases (gnomAD no frequency). In summary, the available evidence is currently insufficient to determine the role of this variant in disease. Therefore, it has been classified as a Variant of Uncertain Significance. Algorithms developed to predict the effect of missense changes on protein structure and function are either unavailable or do not agree on the potential impact of this missense change (SIFT: "Deleterious"; PolyPhen-2: "Benign"; Align-GVGD: "Class C0"). ClinVar contains an entry for this variant (Variation ID: 943946). This variant has not been reported in the literature in individuals affected with ALK-related conditions.